The following is an entry in ClinVar:

NM_004285.4(H6PD):c.749G>A (p.Arg250His)

Gene: H6PD (hexose-6-phosphate dehydrogenase/glucose 1-dehydrogenase; plus strand). Cytogenetic location: 1p36.22.
Variant type: single nucleotide variant.
Coding change: c.749G>A on transcript NM_004285.4 (MANE Select); coding-DNA position 749, G replaced by A.
Protein change: p.Arg250His; replaces arginine 250 with histidine.
Molecular consequence: missense variant.
Genome position (GRCh38, 1-based): chr1:9,262,062, G>A. VCF-style: chr1-9262062-G-A. GRCh37 (hg19) VCF-style: chr1-9322121-G-A.
Other names: c.749G>A (NM_004285.3); c.782G>A, p.Arg261His (NM_001282587.2); short protein forms R250H, R261H.
Identifiers: ClinVar variation 2147539 (VCV002147539.5), dbSNP rs140374763, ClinGen allele CA575080.
Genomic context (GRCh38, chr1:9,262,062, plus strand): 5'-ATCTGATGTTCTGGCCTCTCTTTAGATCCTCCCCACTTCTCCACCTCCCTCCACCAGGCC[G>A]CACCAGCTTCTATGAGGAGTACGGTGTCATTCGCGACGTCCTCCAGAACCATCTGACGGA-3'
Protein context (NP_004276.2, residues 240-260): IMKETVDAEG[Arg250His]TSFYEEYGVI

ClinVar aggregate classification (germline): Uncertain significance. Review status: criteria provided, multiple submitters, no conflicts (2 of 4 stars). 2 submissions from 2 submitters: Uncertain significance (2). Last evaluated 2024-08-30.

Allele frequency attached by ClinVar (database versions not stated): ExAC 0.00006; ESP Exome Variant Server 0.00008; gnomAD 0.00012; TOPMed 0.00018.
gnomAD v4.1: 204 of 1,613,988 alleles (0.013%); highest among the groups gnomAD compares: Non-Finnish European, 0.015%; no homozygotes.

Submissions (2):

GeneDx
Classification: Uncertain significance. Last evaluated: 2024-08-30. Review status: criteria provided, single submitter. Criteria: GeneDx Variant Classification Process June 2021. Collection method: clinical testing. Allele origin: germline. Affected: yes.
Comment: In silico analysis supports that this missense variant has a deleterious effect on protein structure/function; Has not been previously published as pathogenic or benign to our knowledge

Labcorp Genetics (formerly Invitae), Labcorp
Classification: Uncertain significance. Last evaluated: 2022-08-22. Review status: criteria provided, single submitter. Criteria: Invitae Variant Classification Sherloc (09022015). Collection method: clinical testing. Allele origin: germline.
Comment: In summary, the available evidence is currently insufficient to determine the role of this variant in disease. Therefore, it has been classified as a Variant of Uncertain Significance. Algorithms developed to predict the effect of missense changes on protein structure and function (SIFT, PolyPhen-2, Align-GVGD) all suggest that this variant is likely to be disruptive. This variant has not been reported in the literature in individuals affected with H6PD-related conditions. This variant is present in population databases (rs140374763, gnomAD 0.03%). This sequence change replaces arginine, which is basic and polar, with histidine, which is basic and polar, at codon 250 of the H6PD protein (p.Arg250His).